The following is an entry in ClinVar:

NM_001303256.3(MORC2):c.2666C>T (p.Ser889Phe)

Gene: MORC2 (MORC family CW-type zinc finger 2; minus strand). Cytogenetic location: 22q12.2.
Variant type: single nucleotide variant.
Coding change: c.2666C>T on transcript NM_001303256.3 (MANE Select); coding-DNA position 2666, C replaced by T.
Protein change: p.Ser889Phe; replaces serine 889 with phenylalanine.
Molecular consequence: missense variant.
Genome position (GRCh38, 1-based): chr22:30,932,626, G>A on the plus strand (C>T on the coding strand, the complement: MORC2 is on the minus strand). VCF-style: chr22-30932626-G-A. GRCh37 (hg19) VCF-style: chr22-31328613-G-A.
Other names: c.2666C>T, p.Ser889Phe (NM_001303257.2); c.2480C>T, p.Ser827Phe (NM_014941.3); short protein forms S827F, S889F.
Identifiers: ClinVar variation 2725756 (VCV002725756.3), dbSNP rs747144945, ClinGen allele CA411231848.

ClinVar aggregate classification (germline): Uncertain significance (1 of 4 stars; one submission).

Conditions:
Charcot-Marie-Tooth disease axonal type 2Z. Also called: CHARCOT-MARIE-TOOTH DISEASE, AXONAL, AUTOSOMAL DOMINANT, TYPE 2Z; CHARCOT-MARIE-TOOTH NEUROPATHY, TYPE 2Z. Identifiers: Orphanet 466768, MedGen C5569025, MONDO:0014736, OMIM 616688.

gnomAD v4.1: 2 of 1,614,184 alleles (0.00012%); highest among the groups gnomAD compares: Admixed American, 0.0033%; no homozygotes.

Submission:

Labcorp Genetics (formerly Invitae), Labcorp
Classification: Uncertain significance for Charcot-Marie-Tooth disease axonal type 2Z. Last evaluated: 2025-05-08. Review status: criteria provided, single submitter. Criteria: Invitae Variant Classification Sherloc (09022015). Collection method: clinical testing. Allele origin: germline.
Comment: This sequence change replaces serine, which is neutral and polar, with phenylalanine, which is neutral and non-polar, at codon 889 of the MORC2 protein (p.Ser889Phe). This variant is not present in population databases (gnomAD no frequency). This variant has not been reported in the literature in individuals affected with MORC2-related conditions. ClinVar contains an entry for this variant (Variation ID: 2725756). Invitae Evidence Modeling of protein sequence and biophysical properties (such as structural, functional, and spatial information, amino acid conservation, physicochemical variation, residue mobility, and thermodynamic stability) indicates that this missense variant is expected to disrupt MORC2 protein function with a positive predictive value of 80%. In summary, the available evidence is currently insufficient to determine the role of this variant in disease. Therefore, it has been classified as a Variant of Uncertain Significance.